The following is an entry in ClinVar:

ClinVar aggregate classification (germline): Likely benign (1 of 4 stars; one submission).

Allele frequency attached by ClinVar (database versions not stated): 1000 Genomes Project 30x 0.00234; 1000 Genomes Project 0.00260; TOPMed 0.00540; gnomAD 0.00579; ExAC 0.00634; ESP Exome Variant Server 0.00654; gnomAD exomes 0.00900.
gnomAD v4.1: 13,877 of 1,612,114 alleles (0.86%); highest among the groups gnomAD compares: Non-Finnish European, 1.1%; 78 homozygotes.

Submission:

CeGaT Center for Human Genetics Tuebingen
Classification: Likely benign. Last evaluated: 2023-03-01. Review status: criteria provided, single submitter. Criteria: CeGaT Center For Human Genetics Tuebingen Variant Classification Criteria Version 2. Collection method: clinical testing. Allele origin: germline. Affected: yes. Observed: 1 variant allele.
Comment: VPS18: BP4, BP7, BS2

NM_020857.3(VPS18):c.2133C>T (p.Arg711=)

Gene: VPS18 (VPS18 core subunit of CORVET and HOPS complexes; plus strand). Cytogenetic location: 15q15.1.
Variant type: single nucleotide variant.
Coding change: c.2133C>T on transcript NM_020857.3 (MANE Select); coding-DNA position 2133, C replaced by T.
Protein change: p.Arg711=; no amino-acid change (arginine 711 retained).
Molecular consequence: synonymous variant.
Genome position (GRCh38, 1-based): chr15:40,900,951, C>T. VCF-style: chr15-40900951-C-T. GRCh37 (hg19) VCF-style: chr15-41193149-C-T.
Identifiers: ClinVar variation 2645187 (VCV002645187.24), dbSNP rs12914973, ClinGen allele CA7487381.